The following is an entry in ClinVar:

NM_014055.4(IFT81):c.1919G>A (p.Arg640His)

Gene: IFT81 (intraflagellar transport 81; plus strand). Cytogenetic location: 12q24.11.
Variant type: single nucleotide variant.
Coding change: c.1919G>A on transcript NM_014055.4 (MANE Select); coding-DNA position 1919, G replaced by A.
Protein change: p.Arg640His; replaces arginine 640 with histidine.
Molecular consequence: missense variant. On other transcripts: non-coding transcript variant (4).
Genome position (GRCh38, 1-based): chr12:110,218,114, G>A. VCF-style: chr12-110218114-G-A. GRCh37 (hg19) VCF-style: chr12-110655919-G-A.
Other names: c.1919G>A, p.Arg640His (NM_001143779.2); c.989G>A, p.Arg330His (NM_001347947.2, NM_001347948.2); short protein forms R640H, R330H.
Identifiers: ClinVar variation 1397291 (VCV001397291.6), dbSNP rs766627332, ClinGen allele CA6783535.
Genomic context (GRCh38, chr12:110,218,114, plus strand): 5'-AAAAACAAAAAGTTATACGAGAAAGTCATGGTCCAAATATGAAACAAGCAAAAATGTGGC[G>A]TGATTTGGAACAATTAATGGAATGTAAGAAACAGTGCTTTCTGAAACAACAAAGCCAAAC-3'
Protein context (NP_054774.2, residues 630-650): GPNMKQAKMW[Arg640His]DLEQLMECKK

ClinVar aggregate classification (germline): Uncertain significance (1 of 4 stars; one submission).

Allele frequency attached by ClinVar (database versions not stated): ExAC 0.00001; gnomAD 0.00001; gnomAD exomes 0.00001 and 0.00002; TOPMed 0.00002.
gnomAD v4.1: 36 of 1,601,962 alleles (0.0022%); highest among the groups gnomAD compares: South Asian, 0.0045%; 1 homozygote.

Submission:

Labcorp Genetics (formerly Invitae), Labcorp
Classification: Uncertain significance. Last evaluated: 2024-01-04. Review status: criteria provided, single submitter. Criteria: Invitae Variant Classification Sherloc (09022015). Collection method: clinical testing. Allele origin: germline.
Comment: This sequence change replaces arginine, which is basic and polar, with histidine, which is basic and polar, at codon 640 of the IFT81 protein (p.Arg640His). This variant is present in population databases (rs766627332, gnomAD 0.002%). This variant has not been reported in the literature in individuals affected with IFT81-related conditions. ClinVar contains an entry for this variant (Variation ID: 1397291). Advanced modeling of protein sequence and biophysical properties (such as structural, functional, and spatial information, amino acid conservation, physicochemical variation, residue mobility, and thermodynamic stability) performed at Invitae indicates that this missense variant is not expected to disrupt IFT81 protein function with a negative predictive value of 80%. In summary, the available evidence is currently insufficient to determine the role of this variant in disease. Therefore, it has been classified as a Variant of Uncertain Significance.